The following is an entry in ClinVar:

ClinVar aggregate classification (germline): Uncertain significance. Review status: criteria provided, multiple submitters, no conflicts (2 of 4 stars). 2 submissions from 2 submitters: Uncertain significance (2). Last evaluated 2026-10-07.

Conditions:
Landau-Kleffner syndrome (FESD). Also called: EPILEPSY, FOCAL, WITH SPEECH DISORDER AND WITH OR WITHOUT MENTAL RETARDATION; APHASIA, ACQUIRED, WITH EPILEPSY. Identifiers: Orphanet 1945, Orphanet 725, Orphanet 98818, MedGen C0282512, MONDO:0009509, OMIM 245570.

Allele frequency attached by ClinVar (database versions not stated): gnomAD 0.00001.
gnomAD v4.1: 5 of 1,613,898 alleles (0.00031%); highest among the groups gnomAD compares: South Asian, 0.0022%; no homozygotes.

Submissions (2):

GeneDx
Classification: Uncertain significance. Last evaluated: 2026-10-07. Review status: criteria provided, single submitter. Criteria: GeneDx Variant Classification Process June 2021. Collection method: clinical testing. Allele origin: germline.
Comment: Not observed at significant frequency in large population cohorts (gnomAD); In silico analysis indicates that this missense variant does not alter protein structure/function; Has not been previously published as pathogenic or benign to our knowledge

Labcorp Genetics (formerly Invitae), Labcorp
Classification: Uncertain significance for Landau-Kleffner syndrome. Last evaluated: 2023-11-24. Review status: criteria provided, single submitter. Criteria: Invitae Variant Classification Sherloc (09022015). Collection method: clinical testing. Allele origin: germline.
Comment: This sequence change replaces serine, which is neutral and polar, with arginine, which is basic and polar, at codon 384 of the GRIN2A protein (p.Ser384Arg). This variant is not present in population databases (gnomAD no frequency). This variant has not been reported in the literature in individuals affected with GRIN2A-related conditions. Advanced modeling of protein sequence and biophysical properties (such as structural, functional, and spatial information, amino acid conservation, physicochemical variation, residue mobility, and thermodynamic stability) performed at Invitae indicates that this missense variant is not expected to disrupt GRIN2A protein function with a negative predictive value of 95%. In summary, the available evidence is currently insufficient to determine the role of this variant in disease. Therefore, it has been classified as a Variant of Uncertain Significance.

NM_001134407.3(GRIN2A):c.1152C>G (p.Ser384Arg)

Gene: GRIN2A (glutamate ionotropic receptor NMDA type subunit 2A; minus strand). Cytogenetic location: 16p13.2.
Variant type: single nucleotide variant.
Coding change: c.1152C>G on transcript NM_001134407.3 (MANE Select); coding-DNA position 1152, C replaced by G.
Protein change: p.Ser384Arg; replaces serine 384 with arginine.
Molecular consequence: missense variant.
Genome position (GRCh38, 1-based): chr16:9,849,932, G>C on the plus strand (C>G on the coding strand, the complement: GRIN2A is on the minus strand). VCF-style: chr16-9849932-G-C. GRCh37 (hg19) VCF-style: chr16-9943789-G-C.
Other names: c.1152C>G, p.Ser384Arg (NM_000833.5, NM_001134408.2); c.1152C>G (NM_000833.3); short protein forms S384R.
Identifiers: ClinVar variation 3015924 (VCV003015924.6), dbSNP rs1373990781, ClinGen allele CA394801303.